The following is an entry in ClinVar:

NM_198076.6(COX20):c.43-161G>C

Genes: COX20 (cytochrome c oxidase assembly factor COX20; plus strand), HNRNPU (heterogeneous nuclear ribonucleoprotein U; minus strand). Cytogenetic location: 1q44.
Variant type: single nucleotide variant.
Coding change: c.43-161G>C on transcript NM_198076.6 (MANE Select); 161 bases into the intron before coding-DNA position 43, G replaced by C.
Molecular consequence: intron variant.
Genome position (GRCh38, 1-based): chr1:244,841,783, G>C. VCF-style: chr1-244841783-G-C. GRCh37 (hg19) VCF-style: chr1-245005085-G-C.
Other names: c.43-161G>C (NM_001312871.1, NM_001312874.1); c.79-161G>C (NM_001312872.1); c.23-412G>C (NM_001312873.1).
Identifiers: ClinVar variation 683598 (VCV000683598.3), dbSNP rs12058012, ClinGen allele CA10828508.
Genomic context (GRCh38, chr1:244,841,783, plus strand): 5'-GGGTTTTCCGGTCCAATTTGTAAGGTTTTCGGATTTAAAGATTCAGACTGCATACCAAAG[G>C]TGGACAAAGACAACGCAAGCTGATTTAGGTTGTCACGTGGCACATACTCTAGTTTAAACC-3'

ClinVar aggregate classification (germline): Benign. Review status: criteria provided, multiple submitters, no conflicts (2 of 4 stars). 2 submissions from 2 submitters: Benign (2). Last evaluated 2018-06-14.

Allele frequency attached by ClinVar (database versions not stated): 1000 Genomes Project 0.11681; 1000 Genomes Project 30x 0.12055; gnomAD 0.12428; TOPMed 0.14030.
gnomAD v4.1: 75,784 of 570,148 alleles (13%); highest among the groups gnomAD compares: Middle Eastern, 29%; 5,769 homozygotes.

Submissions (6):

GeneDx
Classification: Benign. Last evaluated: 2018-06-14. Review status: criteria provided, single submitter. Criteria: GeneDx Variant Classification (06012015). Collection method: clinical testing. Allele origin: germline. Affected: yes.
Comment: This variant is considered likely benign or benign based on one or more of the following criteria: it is a conservative change, it occurs at a poorly conserved position in the protein, it is predicted to be benign by multiple in silico algorithms, and/or has population frequency not consistent with disease.

Breakthrough Genomics
Classification: Benign. Review status: criteria provided, single submitter. Criteria: ACMG Guidelines, 2015. Collection method: not provided. Allele origin: germline. Inheritance: Autosomal recessive inheritance. Affected: yes.

Dr. Peter K. Rogan Lab, Western University
No classification provided (evidence only). Condition: Acute myeloid leukemia. Review status: no classification provided. Collection method: in vitro. Allele origin: not applicable. Functional consequence: retained intron. Not counted in ClinVar's aggregate classification.

Dr. Peter K. Rogan Lab, Western University
No classification provided (evidence only). Condition: Nonpapillary renal cell carcinoma. Review status: no classification provided. Collection method: in vitro. Allele origin: not applicable. Functional consequence: retained intron. Not counted in ClinVar's aggregate classification.

Dr. Peter K. Rogan Lab, Western University
No classification provided (evidence only). Condition: Nonpapillary renal cell carcinoma. Review status: no classification provided. Collection method: in vitro. Allele origin: not applicable. Functional consequence: retained intron. Not counted in ClinVar's aggregate classification.

Dr. Peter K. Rogan Lab, Western University
No classification provided (evidence only). Condition: Gastric cancer. Review status: no classification provided. Collection method: in vitro. Allele origin: not applicable. Functional consequence: retained intron. Not counted in ClinVar's aggregate classification.